The following is an entry in ClinVar:

ClinVar aggregate classification (germline): Likely benign. Review status: criteria provided, single submitter (1 of 4 stars). 2 submissions from 2 submitters: Likely benign (1). 1 of the submissions does not count toward it. Last evaluated 2026-01-16.

Conditions:
Myopathy, proximal, and ophthalmoplegia (CMYO6). Also called: MYOPATHY WITH CONGENITAL JOINT CONTRACTURES, OPHTHALMOPLEGIA, AND RIMMED VACUOLES; INCLUSION BODY MYOPATHY 3, AUTOSOMAL DOMINANT; CONGENITAL MYOPATHY 6 WITH OPHTHALMOPLEGIA. Identifiers: Orphanet 363677, Orphanet 79091, MedGen C1854106, MONDO:0011577, OMIM 605637.
MYH2-related disorder. Also called: MYH2-related condition.

Allele frequency attached by ClinVar (database versions not stated): ExAC 0.00004; gnomAD 0.00004; gnomAD exomes 0.00004 and 0.00006; TOPMed 0.00004; ESP Exome Variant Server 0.00008.
gnomAD v4.1: 59 of 1,614,040 alleles (0.0037%); highest among the groups gnomAD compares: Non-Finnish European, 0.0049%; no homozygotes.

Submissions (2):

Labcorp Genetics (formerly Invitae), Labcorp
Classification: Likely benign for Myopathy, proximal, and ophthalmoplegia. Last evaluated: 2026-01-16. Review status: criteria provided, single submitter. Criteria: Invitae Variant Classification Sherloc (09022015). Collection method: clinical testing. Allele origin: germline.

PreventionGenetics, part of Exact Sciences
Classification: Likely benign for MYH2-related condition. Last evaluated: 2023-11-08. Review status: no assertion criteria provided. Collection method: clinical testing. Allele origin: germline. Not counted in ClinVar's aggregate classification.
Comment: This variant is classified as likely benign based on ACMG/AMP sequence variant interpretation guidelines (Richards et al. 2015 PMID: 25741868, with internal and published modifications).

NM_017534.6(MYH2):c.2364C>T (p.Ala788=)

Genes: MYHAS (myosin heavy chain gene cluster antisense RNA; plus strand), MYH2 (myosin heavy chain 2; minus strand). Cytogenetic location: 17p13.1.
Variant type: single nucleotide variant.
Coding change: c.2364C>T on transcript NM_017534.6 (MANE Select); coding-DNA position 2364, C replaced by T.
Protein change: p.Ala788=; no amino-acid change (alanine 788 retained).
Molecular consequence: synonymous variant.
Genome position (GRCh38, 1-based): chr17:10,533,362, G>A on the plus strand (C>T on the coding strand, the complement: MYH2 is on the minus strand). VCF-style: chr17-10533362-G-A. GRCh37 (hg19) VCF-style: chr17-10436679-G-A.
Other names: c.2364C>T, p.Ala788= (NM_001100112.2).
Identifiers: ClinVar variation 739497 (VCV000739497.12), dbSNP rs369107023, ClinGen allele CA8391145.